The following is an entry in ClinVar:

ClinVar aggregate classification (germline): Likely benign. Review status: criteria provided, multiple submitters, no conflicts (2 of 4 stars). 2 submissions from 2 submitters: Likely benign (2). Last evaluated 2025-08-01.

Conditions:
Episodic ataxia type 2 (EA2). Also called: ATAXIA, EPISODIC, WITH NYSTAGMUS; ATAXIA, FAMILIAL PAROXYSMAL; CEREBELLAR ATAXIA, PAROXYSMAL, ACETAZOLAMIDE-RESPONSIVE; CEREBELLOPATHY, HEREDITARY PAROXYSMAL; EPISODIC ATAXIA, NYSTAGMUS-ASSOCIATED; ACETAZOLAMIDE-RESPONSIVE HEREDITARY PAROXYSMAL CEREBELLAR ATAXIA. Identifiers: Orphanet 97, MedGen C1720416, MONDO:0007163, OMIM 108500.
Developmental and epileptic encephalopathy, 42 (DEE42A). Also called: EPILEPTIC ENCEPHALOPATHY, EARLY INFANTILE, 42A; DEVELOPMENTAL AND EPILEPTIC ENCEPHALOPATHY 42A; Epileptic encephalopathy, early infantile, 42. Identifiers: MedGen C4310716, MONDO:0014917, OMIM 617106.

Submissions (2):

CeGaT Center for Human Genetics Tuebingen
Classification: Likely benign. Last evaluated: 2025-08-01. Review status: criteria provided, single submitter. Criteria: CeGaT Center For Human Genetics Tuebingen Variant Classification Criteria Version 2. Collection method: clinical testing. Allele origin: germline. Affected: yes. Observed: 1 variant allele.
Comment: CACNA1A: PM2:Supporting, BP4, BP7

Labcorp Genetics (formerly Invitae), Labcorp
Classification: Likely benign for Developmental and epileptic encephalopathy, 42; Episodic ataxia type 2. Last evaluated: 2024-11-15. Review status: criteria provided, single submitter. Criteria: Invitae Variant Classification Sherloc (09022015). Collection method: clinical testing. Allele origin: germline.

NM_001127222.2(CACNA1A):c.4584A>G (p.Lys1528=)

Gene: CACNA1A (calcium voltage-gated channel subunit alpha1 A; minus strand). Cytogenetic location: 19p13.13.
Variant type: single nucleotide variant.
Coding change: c.4584A>G on transcript NM_001127222.2 (MANE Select); coding-DNA position 4584, A replaced by G.
Protein change: p.Lys1528=; no amino-acid change (lysine 1528 retained).
Molecular consequence: synonymous variant.
Genome position (GRCh38, 1-based): chr19:13,257,356, T>C on the plus strand (A>G on the coding strand, the complement: CACNA1A is on the minus strand). VCF-style: chr19-13257356-T-C. GRCh37 (hg19) VCF-style: chr19-13368170-T-C.
Other names: c.4596A>G, p.Lys1532= (NM_000068.4, NM_023035.3); c.4587A>G, p.Lys1529= (NM_001127221.2, NM_001174080.2).
Identifiers: ClinVar variation 3763589 (VCV003763589.10).